The following is an entry in ClinVar:

NM_004655.4(AXIN2):c.1763C>G (p.Pro588Arg)

Gene: AXIN2 (axin 2; minus strand). Cytogenetic location: 17q24.1.
Variant type: single nucleotide variant.
Coding change: c.1763C>G on transcript NM_004655.4 (MANE Select); coding-DNA position 1763, C replaced by G.
Protein change: p.Pro588Arg; replaces proline 588 with arginine.
Molecular consequence: missense variant. On other transcripts: intron variant (1).
Genome position (GRCh38, 1-based): chr17:65,537,013, G>C on the plus strand (C>G on the coding strand, the complement: AXIN2 is on the minus strand). VCF-style: chr17-65537013-G-C. GRCh37 (hg19) VCF-style: chr17-63533131-G-C.
Other names: c.1712+311C>G (NM_001363813.1); short protein forms P588R.
Identifiers: ClinVar variation 998895 (VCV000998895.8), dbSNP rs1305562386, ClinGen allele CA400676665.
Genomic context (GRCh38, chr17:65,537,013, plus strand): 5'-AGCTGCAGGGCCCCAGCTCCGCCGGGGGCCCCTCCTTCCCTGGCGGGCAGGGCCAGGCCC[G>C]GCTCCGTGCCTTTCCCATTGCGTTTGGGCAAGGTACTGCCTCTGCTGCCGCTGTGGGGAA-3'
Protein context (NP_004646.3, residues 578-598): LPKRNGKGTE[Pro588Arg]GLALPAREGG

ClinVar aggregate classification (germline): Uncertain significance (1 of 4 stars; one submission).

Conditions:
Oligodontia-cancer predisposition syndrome. Also called: TOOTH AGENESIS-COLORECTAL CANCER SYNDROME. Identifiers: Orphanet 300576, MedGen C1837750, MONDO:0012075, OMIM 608615. Disease mechanism: loss of function.

Submission:

Labcorp Genetics (formerly Invitae), Labcorp
Classification: Uncertain significance for Oligodontia-cancer predisposition syndrome. Last evaluated: 2020-05-11. Review status: criteria provided, single submitter. Criteria: Invitae Variant Classification Sherloc (09022015). Collection method: clinical testing. Allele origin: germline.
Comment: In summary, the available evidence is currently insufficient to determine the role of this variant in disease. Therefore, it has been classified as a Variant of Uncertain Significance. Algorithms developed to predict the effect of missense changes on protein structure and function (SIFT, PolyPhen-2, Align-GVGD) all suggest that this variant is likely to be tolerated, but these predictions have not been confirmed by published functional studies and their clinical significance is uncertain. This variant has not been reported in the literature in individuals with AXIN2-related conditions. This variant is not present in population databases (ExAC no frequency). This sequence change replaces proline with arginine at codon 588 of the AXIN2 protein (p.Pro588Arg). The proline residue is weakly conserved and there is a moderate physicochemical difference between proline and arginine.